The following is an entry in ClinVar:

ClinVar aggregate classification (germline): Likely pathogenic (1 of 4 stars; one submission).

Conditions:
ABCC2-related disorder. Also called: ABCC2-related condition.

Submission:

PreventionGenetics, part of Exact Sciences
Classification: Likely pathogenic for ABCC2-related condition. Last evaluated: 2024-11-13. Review status: criteria provided, single submitter. Criteria: ACMG Guidelines, 2015. Collection method: clinical testing. Allele origin: germline.
Comment: The ABCC2 c.1210-2A>G variant is predicted to disrupt the AG splice acceptor site and interfere with normal splicing. If this variant results in exon skipping, this is predicted to be an in-frame deletion of exon 10. Exon 10 has several missense variants and an in-frame insertion/deletion variant that indicate this region is critical for protein function (Lee et al. 2006. PubMed ID: 16549534; Cebecauerova et al. 2005. PubMed ID: 16012956). To our knowledge, this variant has not been reported in the literature or in a large population database (gnomAD), indicating this variant is rare. Variants that disrupt the consensus splice acceptor site in ABCC2 are expected to be pathogenic. This variant is interpreted as likely pathogenic.

NM_000392.5(ABCC2):c.1210-2A>G

Gene: ABCC2 (ATP binding cassette subfamily C member 2; plus strand). Cytogenetic location: 10q24.2.
Variant type: single nucleotide variant.
Coding change: c.1210-2A>G on transcript NM_000392.5 (MANE Select); the canonical splice acceptor site of the intron before coding-DNA position 1210, A replaced by G.
Molecular consequence: splice acceptor variant.
Genome position (GRCh38, 1-based): chr10:99,804,017, A>G. VCF-style: chr10-99804017-A-G. GRCh37 (hg19) VCF-style: chr10-101563774-A-G.
Identifiers: ClinVar variation 4998266 (VCV004998266.1).